The following is an entry in ClinVar:

ClinVar aggregate classification (germline): Conflicting classifications of pathogenicity. Review status: criteria provided, conflicting classifications (1 of 4 stars). 6 submissions from 6 submitters: Uncertain significance (2); Benign (1); Likely benign (2). 1 of the submissions does not count toward it. Last evaluated 2026-08-21.

Conditions:
Hereditary cancer-predisposing syndrome. Also called: Hereditary Cancer Syndrome; Tumor predisposition; Hereditary neoplastic syndrome; Neoplastic Syndromes, Hereditary. Identifiers: Orphanet 140162, MedGen C0027672, MeSH D009386, MONDO:0015356.
Hereditary breast ovarian cancer syndrome. Also called: Breast and ovarian cancer; Hereditary breast and ovarian cancer syndrome; BRCA1- and BRCA2-Associated Hereditary Breast and Ovarian Cancer; Hereditary breast and ovarian cancer syndrome (HBOC); Hereditary breast and/or ovarian cancer syndrome; Hereditary breast and ovarian cancer. Identifiers: Orphanet 145, MedGen C0677776, MeSH D061325, MONDO:0003582. Disease mechanism: loss of function.
Breast-ovarian cancer, familial, susceptibility to, 1 (BROVCA1). Also called: OVARIAN CANCER, SUSCEPTIBILITY TO; BRCA1 Hereditary Breast and Ovarian Cancer. Identifiers: Orphanet 145, MedGen C2676676, MONDO:0011450, OMIM 604370. Disease mechanism: loss of function.

Allele frequency attached by ClinVar (database versions not stated): gnomAD exomes 0.00001; gnomAD 0.00001; TOPMed 0.00002.
gnomAD v4.1: 5 of 1,614,072 alleles (0.00031%); highest among the groups gnomAD compares: East Asian, 0.0089%; no homozygotes.

Submissions (6):

Myriad Genetics, Inc.
Classification: Benign for Breast-ovarian cancer, familial, susceptibility to, 1. Last evaluated: 2026-08-21. Review status: criteria provided, single submitter. Criteria: Myriad Autosomal Dominant, Autosomal Recessive and X-Linked Classification Criteria (2023). Collection method: clinical testing. Allele origin: unknown.
Comment: This variant is considered benign. This variant been observed in trans with a known pathogenic variant in one or more individuals. Compound heterozygosity for pathogenic variants in this gene is generally assumed to result in embryonic lethality. This variant is strongly associated with less severe personal and family histories of cancer, typical for individuals without pathogenic variants in this gene [PMID: 25085752].

Labcorp Genetics (formerly Invitae), Labcorp
Classification: Uncertain significance for Hereditary breast ovarian cancer syndrome. Last evaluated: 2025-11-13. Review status: criteria provided, single submitter. Criteria: Invitae Variant Classification Sherloc (09022015). Collection method: clinical testing. Allele origin: germline.
Comment: This sequence change replaces asparagine, which is neutral and polar, with serine, which is neutral and polar, at codon 1236 of the BRCA1 protein (p.Asn1236Ser). This variant is not present in population databases (gnomAD no frequency). This missense change has been observed in individual(s) with breast and/or ovarian cancer (PMID: 25802882, 29215753, 30287823, 32546644). ClinVar contains an entry for this variant (Variation ID: 216665). Invitae Evidence Modeling of protein sequence and biophysical properties (such as structural, functional, and spatial information, amino acid conservation, physicochemical variation, residue mobility, and thermodynamic stability) indicates that this missense variant is not expected to disrupt BRCA1 protein function with a negative predictive value of 80%. In summary, the available evidence is currently insufficient to determine the role of this variant in disease. Therefore, it has been classified as a Variant of Uncertain Significance.

Ambry Genetics
Classification: Uncertain significance for Hereditary cancer-predisposing syndrome. Last evaluated: 2025-11-08. Review status: criteria provided, single submitter. Criteria: Ambry Variant Classification Scheme 2023. Collection method: clinical testing. Allele origin: germline.
Comment: The p.N1236S variant (also known as c.3707A>G), located in coding exon 9 of the BRCA1 gene, results from an A to G substitution at nucleotide position 3707. The asparagine at codon 1236 is replaced by serine, an amino acid with highly similar properties. This alteration was detected in 1/135 Japanese individuals diagnosed with breast and/or ovarian cancer (Hirotsu Y et al. Mol Genet Genomic Med, 2015 Mar;3:121-9). This alteration was observed with an allele frequency of 0.00014 in 7,051 unselected female breast cancer patients and was observed with an allele frequency of 0.00044 in 11,241 female controls of Japanese ancestry. In addition, it was not observed in unselected male breast cancer patients and was observed with an allele frequency of 0.0004 in 12,490 male controls of Japanese ancestry (Momozawa Y et al. Nat Commun, 2018 10;9:4083). This alteration has been reported with a carrier frequency of 0.00039 in 7636 unselected prostate cancer patients and 0.0004 in 12366 male controls of Japanese ancestry (Momozawa Y et al. J Natl Cancer Inst, 2020 04;112:369-376). This variant has been identified in 4/12503 unselected Japanese colorectal cancer patients and in 10/23705 controls (Fujita M et al. Clin Gastroenterol Hepatol, 2022 09;20:2132-2141.e9).This amino acid position is poorly conserved in available vertebrate species. In addition, this alteration is predicted to be tolerated by in silico analysis. Since supporting evidence is limited at this time, the clinical significance of this alteration remains unclear.

University of Washington Department of Laboratory Medicine, University of Washington
Classification: Likely benign for Hereditary cancer-predisposing syndrome. Last evaluated: 2023-03-23. Review status: criteria provided, single submitter. Criteria: Dines et al. (Genet Med. 2020). Collection method: curation. Allele origin: germline.
Comment: Missense variant in a coldspot region where missense variants are very unlikely to be pathogenic (PMID:31911673).

BRCA1 coldspot (exon 11 using historical exon numbering). Reclassification based on statistical prior probability

GeneDx
Classification: Likely benign. Last evaluated: 2016-06-22. Review status: criteria provided, single submitter. Criteria: GeneDx Variant Classification (06012015). Collection method: clinical testing. Allele origin: germline. Affected: yes.
Comment: This variant is considered likely benign or benign based on one or more of the following criteria: it is a conservative change, it occurs at a poorly conserved position in the protein, it is predicted to be benign by multiple in silico algorithms, and/or has population frequency not consistent with disease.

Department of Pathology and Laboratory Medicine, Sinai Health System
Classification: Uncertain significance. Review status: no assertion criteria provided. Collection method: clinical testing. Allele origin: unknown. Affected: yes. Study: The Canadian Open Genetics Repository (COGR). Not counted in ClinVar's aggregate classification.
Comment: The BRCA1 p.N1236S variant was identified in 3 individuals with breast and/or ovarian cancer (Nakagomi_2018_PMID: 29215753; Hirotsu_2015_PMID: 25802882). The variant was identified in dbSNP (ID: rs863224760) and ClinVar (classified as likely benign by GeneDx and as uncertain significance by Ambry Genetics and Invitae). The variant was not identified in the following control databases: the 1000 Genomes Project, the NHLBI GO Exome Sequencing Project, or the Genome Aggregation Database (March 6, 2019, v2.1.1). The p.N1236 residue is conserved in mammals however computational analyses (MUT Assesor, SIFT, MutationTaster, Revel, FATHMM, MetaLR, DANN) do not suggest a high likelihood of impact to the protein; however this information is not predictive enough to rule out pathogenicity. The variant occurs outside of the splicing consensus sequence and in silico or computational prediction software programs (Splice AI exome) do not predict a difference in splicing. In summary, based on the above information the clinical significance of this variant cannot be determined with certainty at this time. This variant is classified as a variant of uncertain significance.

Literature cited by the submitters: PubMed 25085752 (cited by Myriad Genetics, Inc.); PubMed 25802882 (cited by Labcorp Genetics (formerly Invitae), Labcorp and Ambry Genetics); PubMed 29215753 (cited by Labcorp Genetics (formerly Invitae), Labcorp); PubMed 30287823 (cited by Labcorp Genetics (formerly Invitae), Labcorp and Ambry Genetics); PubMed 32546644 (cited by Labcorp Genetics (formerly Invitae), Labcorp); PubMed 31214711 (cited by Ambry Genetics); PubMed 33309985 (cited by Ambry Genetics).

NM_007294.4(BRCA1):c.3707A>G (p.Asn1236Ser)

Genes: BRCA1 (BRCA1 DNA repair associated; minus strand), LOC126862571 (BRD4-independent group 4 enhancer GRCh37_chr17:41243136-41244335; plus strand). Cytogenetic location: 17q21.31.
Variant type: single nucleotide variant.
Coding change: c.3707A>G on transcript NM_007294.4 (MANE Select); coding-DNA position 3707, A replaced by G.
Protein change: p.Asn1236Ser; replaces asparagine 1236 with serine.
Molecular consequence: missense variant. On other transcripts: intron variant (135).
Genome position (GRCh38, 1-based): chr17:43,091,824, T>C on the plus strand (A>G on the coding strand, the complement: BRCA1 is on the minus strand). VCF-style: chr17-43091824-T-C. GRCh37 (hg19) VCF-style: chr17-41243841-T-C.
Other names: c.3494A>G, p.Asn1165Ser (NM_001407571.1, NM_001407853.1, NM_001407894.1 and 9 more transcripts); c.3707A>G, p.Asn1236Ser (NM_001407581.1, NM_001407582.1, NM_001407583.1 and 30 more transcripts); c.3704A>G, p.Asn1235Ser (NM_001407587.1, NM_001407590.1, NM_001407591.1 and 22 more transcripts); c.3698A>G, p.Asn1233Ser (NM_001407646.1, NM_001407647.1); c.3584A>G, p.Asn1195Ser (NM_001407648.1, NM_001407664.1, NM_001407665.1 and 19 more transcripts); c.3581A>G, p.Asn1194Ser (NM_001407649.1, NM_001407670.1, NM_001407671.1 and 11 more transcripts); c.3629A>G, p.Asn1210Ser (NM_001407653.1, NM_001407654.1, NM_001407655.1 and 4 more transcripts); c.3626A>G, p.Asn1209Ser (NM_001407659.1, NM_001407660.1, NM_001407661.1 and 1 more transcripts); and 41 more; short protein forms N1236S, N1189S, N1165S, N1233S, N940S, N1168S, N1169S, N1194S.
Identifiers: ClinVar variation 216665 (VCV000216665.19), dbSNP rs863224760, ClinGen allele CA338320.